The following is an entry in ClinVar:

NM_152383.5(DIS3L2):c.2366A>C (p.Tyr789Ser)

Gene: DIS3L2 (DIS3 like 3'-5' exoribonuclease 2; plus strand). Cytogenetic location: 2q37.1.
Variant type: single nucleotide variant.
Coding change: c.2366A>C on transcript NM_152383.5 (MANE Select); coding-DNA position 2366, A replaced by C.
Protein change: p.Tyr789Ser; replaces tyrosine 789 with serine.
Molecular consequence: missense variant. On other transcripts: non-coding transcript variant (2), intron variant (1).
Genome position (GRCh38, 1-based): chr2:232,334,707, A>C. VCF-style: chr2-232334707-A-C. GRCh37 (hg19) VCF-style: chr2-233199417-A-C.
Other names: c.1582-8638A>C (NM_001257281.2); short protein forms Y789S.
Identifiers: ClinVar variation 1427531 (VCV001427531.8), dbSNP rs2106354749, ClinGen allele CA350978059.

ClinVar aggregate classification (germline): Uncertain significance (1 of 4 stars; one submission).

Conditions:
Perlman syndrome (PRLMNS). Identifiers: Orphanet 2849, MedGen C0796113, MONDO:0009965, OMIM 267000.

Submission:

Labcorp Genetics (formerly Invitae), Labcorp
Classification: Uncertain significance for Perlman syndrome. Last evaluated: 2021-05-26. Review status: criteria provided, single submitter. Criteria: Invitae Variant Classification Sherloc (09022015). Collection method: clinical testing. Allele origin: germline.
Comment: Algorithms developed to predict the effect of missense changes on protein structure and function (SIFT, PolyPhen-2, Align-GVGD) all suggest that this variant is likely to be tolerated, but these predictions have not been confirmed by published functional studies and their clinical significance is uncertain. This variant has not been reported in the literature in individuals with DIS3L2-related conditions. This variant is not present in population databases (ExAC no frequency). This sequence change replaces tyrosine with serine at codon 789 of the DIS3L2 protein (p.Tyr789Ser). The tyrosine residue is weakly conserved and there is a large physicochemical difference between tyrosine and serine. In summary, the available evidence is currently insufficient to determine the role of this variant in disease. Therefore, it has been classified as a Variant of Uncertain Significance.